The following is an entry in ClinVar:

NM_004415.4(DSP):c.344_345dup (p.Asp116fs)

Gene: DSP (desmoplakin; plus strand). Cytogenetic location: 6p24.3.
Variant type: Duplication.
Coding change: c.344_345dup on transcript NM_004415.4 (MANE Select); coding-DNA positions 344 to 345, 2 bases duplicated (AT; older notation c.344_345dupAT).
Protein change: p.Asp116fs; shifts the reading frame from aspartic acid 116.
Molecular consequence: frameshift variant.
Genome position (GRCh38, 1-based): chr6:7,558,186-7,558,187, AT duplicated. VCF-style (leftmost placement, unchanged base first): chr6-7558185-A-AAT. GRCh37 (hg19) VCF-style: chr6-7558418-A-AAT.
Other names: c.344_345dup, p.Asp116fs (NM_001008844.3, NM_001319034.2); short protein forms D116fs.
Identifiers: ClinVar variation 817780 (VCV000817780.1), dbSNP rs1581792832, ClinGen allele CA915944138.
Genomic context (GRCh38, chr6:7,558,185, plus strand): 5'-TATGGAGATGGAATACAACTGACTCGGAGTCGAGAATTGGATGAGTGTTTTGCCCAGGCC[A>AAT]ATGACCAAATGGAAATCCTCGACAGCTTGATCAGAGAGATGCGGCAGATGGGCCAGCCCT-3'

ClinVar aggregate classification (germline): Likely pathogenic (1 of 4 stars; one submission).

Submission:

GeneDx
Classification: Likely pathogenic. Last evaluated: 2018-09-06. Review status: criteria provided, single submitter. Criteria: GeneDx Variant Classification (06012015). Collection method: clinical testing. Allele origin: germline. Affected: yes.
Comment: The c.344_345dupAT variant in the DSP gene has not been reported previously as a pathogenic variant nor as a benign variant, to our knowledge. The c.344_345dupAT variant causes a frameshift starting with codon Aspartic acid 116, changes this amino acid to a Methionine residue, and creates a premature Stop codon at position 10 of the new reading frame, denoted p.Asp116MetfsX10. This variant is predicted to cause loss of normal protein function either through protein truncation or nonsense-mediated mRNA decay. The c.344_345dupAT variant is not observed in large population cohorts (Lek et al., 2016). We interpret c.344_345dupAT as a likely pathogenic variant.